The following is an entry in ClinVar:

ClinVar aggregate classification (germline): Uncertain significance (1 of 4 stars; one submission).

Conditions:
CFI-related disorder. Also called: CFI-related condition; CFI-related disorders. Identifiers: MedGen CN239325.

gnomAD v4.1: 1 of 1,613,856 alleles (0.000062%); highest among the groups gnomAD compares: Non-Finnish European, 0.000085%; no homozygotes.

Submission:

Genomenon, Inc
Classification: Uncertain significance for CFI-related disorder. Last evaluated: 2025-09-26. Review status: criteria provided, single submitter. Criteria: Genomenon Sequence Variant Interpretation Standards - Updated. Collection method: curation. Allele origin: germline. Affected: no.
Comment: CFI p.Val20Ile (c.58G>A) is a missense variant that changes the amino acid at residue 20 from Valine to Isoleucine. To our knowledge, this variant has not been reported in patients affected with CFI-related disorders in the published literature. Functional studies have been reported; however, the significance of the findings remain unclear (PMID:32510551). It is absent or not present at a significant frequency in gnomAD. In silico models agree that this variant is not damaging. In conclusion, we classify CFI p.Val20Ile (c.58G>A) as a variant of unknown significance.

Literature cited by the submitters: PubMed 32510551.

NM_000204.5(CFI):c.58G>A (p.Val20Ile)

Gene: CFI (complement factor I; minus strand). Cytogenetic location: 4q25.
Variant type: single nucleotide variant.
Coding change: c.58G>A on transcript NM_000204.5 (MANE Select); coding-DNA position 58, G replaced by A.
Protein change: p.Val20Ile; replaces valine 20 with isoleucine.
Molecular consequence: missense variant. On other transcripts: non-coding transcript variant (3), intron variant (1).
Genome position (GRCh38, 1-based): chr4:109,766,824, C>T on the plus strand (G>A on the coding strand, the complement: CFI is on the minus strand). VCF-style: chr4-109766824-C-T. GRCh37 (hg19) VCF-style: chr4-110687980-C-T.
Other names: c.58G>A, p.Val20Ile (NM_001318057.2, NM_001331035.2, NM_001375278.1 and 10 more transcripts); c.-127-5132G>A (NM_001375284.1); short protein forms V20I.
Identifiers: ClinVar variation 4280553 (VCV004280553.1).